The following is an entry in ClinVar:

ClinVar aggregate classification (germline): Likely pathogenic (1 of 4 stars; one submission).

Conditions:
alpha Thalassemia. Also called: Alpha thalassemia spectrum. Identifiers: Orphanet 846, MedGen C0002312, MONDO:0011399, OMIM 604131.

Submission:

Natera, Inc.
Classification: Likely pathogenic for Alpha thalassemia. Last evaluated: 2025-07-27. Review status: criteria provided, single submitter. Criteria: Natera Variant Classification Schema (03/2026). Collection method: clinical testing. Allele origin: germline.
Comment: The c.2T>A variant in HBA2 is predicted to result in start loss due to disruption of the initiator methionine. This variant is expected to result in nonsense mediated decay, truncation, or a dysfunctional protein product. This variant is rare in the general population with a frequency below the threshold expected for the associated phenotype(s). Given the available evidence, this variant is classified as Likely Pathogenic.

NM_000517.6(HBA2):c.2T>A (p.Met1Lys)

Genes: HBA2 (hemoglobin subunit alpha 2; plus strand), LOC106804612 (hemoglobin subunit alpha 2 recombination region; plus strand). Cytogenetic location: 16p13.3.
Variant type: single nucleotide variant.
Coding change: c.2T>A on transcript NM_000517.6 (MANE Select); coding-DNA position 2, T replaced by A.
Protein change: p.Met1Lys; changes the start codon (methionine 1).
Molecular consequence: missense variant, initiator codon variant.
Genome position (GRCh38, 1-based): chr16:172,914, T>A. VCF-style: chr16-172914-T-A. GRCh37 (hg19) VCF-style: chr16-222913-T-A.
Other names: short protein forms M1K.
Identifiers: ClinVar variation 4818657 (VCV004818657.1).